The following is an entry in ClinVar:

NM_021625.5(TRPV4):c.1549A>G (p.Thr517Ala)

Gene: TRPV4 (transient receptor potential cation channel subfamily V member 4; minus strand). Cytogenetic location: 12q24.11.
Variant type: single nucleotide variant.
Coding change: c.1549A>G on transcript NM_021625.5 (MANE Select); coding-DNA position 1549, A replaced by G.
Protein change: p.Thr517Ala; replaces threonine 517 with alanine.
Molecular consequence: missense variant.
Genome position (GRCh38, 1-based): chr12:109,793,965, T>C on the plus strand (A>G on the coding strand, the complement: TRPV4 is on the minus strand). VCF-style: chr12-109793965-T-C. GRCh37 (hg19) VCF-style: chr12-110231770-T-C.
Other names: c.1369A>G, p.Thr457Ala (NM_147204.3); c.1408A>G, p.Thr470Ala (NM_001177428.2); c.1447A>G, p.Thr483Ala (NM_001177431.2); c.1228A>G, p.Thr410Ala (NM_001177433.2); short protein forms T517A, T470A, T483A, T410A, T457A.
Identifiers: ClinVar variation 426840 (VCV000426840.10), dbSNP rs1085307827, ClinGen allele CA386652036.
Genomic context (GRCh38, chr12:109,793,965, plus strand): 5'-GGGGGCACGGGGGCCAGGCACTTACGTTGGTGAAGAAGAACAGGACCCCAGTGAAGAGCG[T>C]AATGACCTCGCCAGCCAGCCGCAGGTAGTCCACCGTGGTGCGGTAAGGGTACGGCGGCTG-3'
Protein context (NP_067638.3, residues 507-527): DYLRLAGEVI[Thr517Ala]LFTGVLFFFT

ClinVar aggregate classification (germline): Uncertain significance. Review status: criteria provided, multiple submitters, no conflicts (2 of 4 stars). 2 submissions from 2 submitters: Uncertain significance (2). Last evaluated 2025-05-13.

Conditions:
Charcot-Marie-Tooth disease axonal type 2C (HMSN2C). Also called: Charcot-Marie-Tooth Disease Type 2, TRPV4-Related (CMT2C); CHARCOT-MARIE-TOOTH DISEASE, AXONAL, AUTOSOMAL DOMINANT, TYPE 2C; Charcot-Marie-Tooth Neuropathy Type 2C. Identifiers: Orphanet 99937, MedGen C1853710, MONDO:0011633, OMIM 606071.

Allele frequency attached by ClinVar (database versions not stated): gnomAD exomes below 0.00001; gnomAD 0.00002; TOPMed 0.00002.
gnomAD v4.1: 7 of 1,610,436 alleles (0.00043%); highest among the groups gnomAD compares: Non-Finnish European, 0.00059%; no homozygotes.

Submissions (2):

Labcorp Genetics (formerly Invitae), Labcorp
Classification: Uncertain significance for Charcot-Marie-Tooth disease axonal type 2C. Last evaluated: 2025-05-13. Review status: criteria provided, single submitter. Criteria: Invitae Variant Classification Sherloc (09022015). Collection method: clinical testing. Allele origin: germline.
Comment: This sequence change replaces threonine, which is neutral and polar, with alanine, which is neutral and non-polar, at codon 517 of the TRPV4 protein (p.Thr517Ala). This variant is not present in population databases (gnomAD no frequency). This variant has not been reported in the literature in individuals affected with TRPV4-related conditions. ClinVar contains an entry for this variant (Variation ID: 426840). Invitae Evidence Modeling of protein sequence and biophysical properties (such as structural, functional, and spatial information, amino acid conservation, physicochemical variation, residue mobility, and thermodynamic stability) has been performed for this missense variant. However, the output from this modeling did not meet the statistical confidence thresholds required to predict the impact of this variant on TRPV4 protein function. In summary, the available evidence is currently insufficient to determine the role of this variant in disease. Therefore, it has been classified as a Variant of Uncertain Significance.

GeneDx
Classification: Uncertain significance. Last evaluated: 2017-03-31. Review status: criteria provided, single submitter. Criteria: GeneDx Variant Classification (06012015). Collection method: clinical testing. Allele origin: germline. Affected: yes.
Comment: The T517A variant has not been published as a pathogenic variant, nor has it been reported as a benign variant to our knowledge. The T517A variant is not observed in large population cohorts (Lek et al., 2016; 1000 Genomes Consortium et al., 2015; Exome Variant Server). This variant is a non-conservative amino acid substitution, which is likely to impact secondary protein structure as these residues differ in polarity, charge, size and/or other properties. This substitution occurs at a position that is conserved across species; however, missense variants in nearby residues have not been reported in the Human Gene Mutation Database in association with TRPV4-related disorders (Stenson et al., 2014). In silico analysis is inconsistent in its predictions as to whether or not the variant is damaging to the protein structure/function.